The following is an entry in ClinVar:

NM_001009999.3(KDM1A):c.301A>G (p.Ile101Val)

Gene: KDM1A (lysine demethylase 1A; plus strand). Cytogenetic location: 1p36.12.
Variant type: single nucleotide variant.
Coding change: c.301A>G on transcript NM_001009999.3 (MANE Select); coding-DNA position 301, A replaced by G.
Protein change: p.Ile101Val; replaces isoleucine 101 with valine.
Molecular consequence: missense variant.
Genome position (GRCh38, 1-based): chr1:23,019,897, A>G. VCF-style: chr1-23019897-A-G. GRCh37 (hg19) VCF-style: chr1-23346390-A-G.
Other names: c.301A>G, p.Ile101Val (NM_001363654.2, NM_001410762.1, NM_001410763.1 and 1 more transcripts); c.301A>G (NM_001009999.2); short protein forms I101V.
Identifiers: ClinVar variation 2759406 (VCV002759406.4), dbSNP rs1641562807, ClinGen allele CA338952360.

ClinVar aggregate classification (germline): Uncertain significance. Review status: criteria provided, multiple submitters, no conflicts (2 of 4 stars). 2 submissions from 2 submitters: Uncertain significance (2). Last evaluated 2026-04-04.

Conditions:
Inborn genetic diseases. Identifiers: MedGen C0950123, MeSH D030342.

Allele frequency attached by ClinVar (database versions not stated): TOPMed 0.00001; gnomAD exomes below 0.00001.
gnomAD v4.1: 4 of 1,572,722 alleles (0.00025%); highest among the groups gnomAD compares: South Asian, 0.0034%; no homozygotes.

Submissions (2):

Ambry Genetics
Classification: Uncertain significance for Inborn genetic diseases. Last evaluated: 2026-04-04. Review status: criteria provided, single submitter. Criteria: Ambry Variant Classification Scheme 2023. Collection method: clinical testing. Allele origin: germline.
Comment: The p.I101V variant (also known as c.301A>G), located in coding exon 1 of the KDM1A gene, results from an A to G substitution at nucleotide position 301. The isoleucine at codon 101 is replaced by valine, an amino acid with highly similar properties. This amino acid position is conserved. In addition, this alteration is predicted to be tolerated by in silico analysis. Based on the available evidence, the clinical significance of this variant remains unclear.

Labcorp Genetics (formerly Invitae), Labcorp
Classification: Uncertain significance. Last evaluated: 2023-09-09. Review status: criteria provided, single submitter. Criteria: Invitae Variant Classification Sherloc (09022015). Collection method: clinical testing. Allele origin: germline.
Comment: In summary, the available evidence is currently insufficient to determine the role of this variant in disease. Therefore, it has been classified as a Variant of Uncertain Significance. An algorithm developed to predict the effect of missense changes on protein structure and function (PolyPhen-2) suggests that this variant is likely to be tolerated. This variant has not been reported in the literature in individuals affected with KDM1A-related conditions. This variant is not present in population databases (gnomAD no frequency). This sequence change replaces isoleucine, which is neutral and non-polar, with valine, which is neutral and non-polar, at codon 101 of the KDM1A protein (p.Ile101Val).